The following is an entry in ClinVar:

ClinVar aggregate classification (germline): Likely benign (1 of 4 stars; one submission).

Conditions:
KIAA0586-related disorder. Also called: KIAA0586-related condition; KIAA0586- Related disorders.

gnomAD v4.1: 1 of 1,613,578 alleles (0.000062%); highest among the groups gnomAD compares: Non-Finnish European, 0.000085%; no homozygotes.

Submission:

PreventionGenetics, part of Exact Sciences
Classification: Likely benign for KIAA0586-related condition. Last evaluated: 2026-04-07. Review status: criteria provided, single submitter. Criteria: ACMG Guidelines, 2015. Collection method: clinical testing. Allele origin: germline.
Comment: This variant is classified as likely benign based on ACMG/AMP sequence variant interpretation guidelines (Richards et al. 2015 PMID: 25741868, with internal and published modifications).

NM_001329943.3(KIAA0586):c.717T>C (p.His239=)

Gene: KIAA0586 (KIAA0586; plus strand). Cytogenetic location: 14q23.1.
Variant type: single nucleotide variant.
Coding change: c.717T>C on transcript NM_001329943.3 (MANE Select); coding-DNA position 717, T replaced by C.
Protein change: p.His239=; no amino-acid change (histidine 239 retained).
Molecular consequence: synonymous variant.
Genome position (GRCh38, 1-based): chr14:58,444,085, T>C. VCF-style: chr14-58444085-T-C. GRCh37 (hg19) VCF-style: chr14-58910803-T-C.
Other names: c.876T>C, p.His292= (NM_001244189.2); c.672T>C, p.His224= (NM_001244190.2); c.462T>C, p.His154= (NM_001244191.2, NM_001329945.2, NM_001364700.1 and 1 more transcripts); c.585T>C, p.His195= (NM_001244192.2); c.297T>C, p.His99= (NM_001244193.2); c.717T>C, p.His239= (NM_001329944.2, NM_001329946.2, NM_001329947.2 and 1 more transcripts).
Identifiers: ClinVar variation 4995171 (VCV004995171.1).
Genomic context (GRCh38, chr14:58,444,085, plus strand): 5'-ACACCTGCAACGTGTTACAGAGCAGCAAACAAGCATTCAGAGGAAACAAGAGAAATTACA[T>C]TGTCATGATCACGAAAAGCAAATGAATGTGTTTATGGAGCAGCACATAAGGCATCTTGAA-3'
Protein context (NP_001316872.1, residues 229-249): TSIQRKQEKL[His239=]CHDHEKQMNV